The following is an entry in ClinVar:

ClinVar aggregate classification (germline): Uncertain significance (1 of 4 stars; one submission).

gnomAD v4.1: 37 of 1,613,368 alleles (0.0023%); highest among the groups gnomAD compares: Admixed American, 0.043%; 2 homozygotes.

Submission:

CeGaT Center for Human Genetics Tuebingen
Classification: Uncertain significance. Last evaluated: 2024-09-01. Review status: criteria provided, single submitter. Criteria: CeGaT Center For Human Genetics Tuebingen Variant Classification Criteria Version 2. Collection method: clinical testing. Allele origin: germline. Affected: yes. Observed: 1 variant allele.
Comment: STAG3: PM2:Supporting

NM_001282717.2(STAG3):c.2571C>T (p.Ser857=)

Gene: STAG3 (STAG3 cohesin complex component; plus strand). Cytogenetic location: 7q22.1.
Variant type: single nucleotide variant.
Coding change: c.2571C>T on transcript NM_001282717.2 (MANE Select); coding-DNA position 2571, C replaced by T.
Protein change: p.Ser857=; no amino-acid change (serine 857 retained).
Molecular consequence: synonymous variant. On other transcripts: non-coding transcript variant (3).
Genome position (GRCh38, 1-based): chr7:100,202,461, C>T. VCF-style: chr7-100202461-C-T. GRCh37 (hg19) VCF-style: chr7-99800084-C-T.
Other names: c.2571C>T, p.Ser857= (NM_001282716.1, NM_001375438.1, NM_012447.4); c.2397C>T, p.Ser799= (NM_001282718.2).
Identifiers: ClinVar variation 3388760 (VCV003388760.14).